The following is an entry in ClinVar:

NM_181507.2(HPS5):c.1127C>T (p.Thr376Ile)

Gene: HPS5 (HPS5 biogenesis of lysosomal organelles complex 2 subunit 2; minus strand). Cytogenetic location: 11p15.1.
Variant type: single nucleotide variant.
Coding change: c.1127C>T on transcript NM_181507.2 (MANE Select); coding-DNA position 1127, C replaced by T.
Protein change: p.Thr376Ile; replaces threonine 376 with isoleucine.
Molecular consequence: missense variant.
Genome position (GRCh38, 1-based): chr11:18,298,829, G>A on the plus strand (C>T on the coding strand, the complement: HPS5 is on the minus strand). VCF-style: chr11-18298829-G-A. GRCh37 (hg19) VCF-style: chr11-18320376-G-A.
Other names: c.785C>T, p.Thr262Ile (NM_007216.4, NM_181508.2); short protein forms T376I, T262I.
Identifiers: ClinVar variation 1464875 (VCV001464875.6), dbSNP rs764861032, ClinGen allele CA5910221.

ClinVar aggregate classification (germline): Uncertain significance. Review status: criteria provided, multiple submitters, no conflicts (2 of 4 stars). 3 submissions from 3 submitters: Uncertain significance (3). Last evaluated 2025-01-13.

Conditions:
Inborn genetic diseases. Identifiers: MedGen C0950123, MeSH D030342.

Allele frequency attached by ClinVar (database versions not stated): gnomAD exomes 0.00001 and 0.00006; ExAC 0.00002; TOPMed 0.00007; gnomAD 0.00010 and 0.00011.
gnomAD v4.1: 35 of 1,614,068 alleles (0.0022%); highest among the groups gnomAD compares: Admixed American, 0.045%; no homozygotes.

Submissions (3):

Labcorp Genetics (formerly Invitae), Labcorp
Classification: Uncertain significance. Last evaluated: 2025-01-13. Review status: criteria provided, single submitter. Criteria: Invitae Variant Classification Sherloc (09022015). Collection method: clinical testing. Allele origin: germline.
Comment: This sequence change replaces threonine, which is neutral and polar, with isoleucine, which is neutral and non-polar, at codon 376 of the HPS5 protein (p.Thr376Ile). This variant is present in population databases (rs764861032, gnomAD 0.03%). This variant has not been reported in the literature in individuals affected with HPS5-related conditions. ClinVar contains an entry for this variant (Variation ID: 1464875). An algorithm developed to predict the effect of missense changes on protein structure and function (PolyPhen-2) suggests that this variant¬†is likely to be tolerated. In summary, the available evidence is currently insufficient to determine the role of this variant in disease. Therefore, it has been classified as a Variant of Uncertain Significance.

Ambry Genetics
Classification: Uncertain significance for Inborn genetic diseases. Last evaluated: 2024-07-15. Review status: criteria provided, single submitter. Criteria: Ambry Variant Classification Scheme 2023. Collection method: clinical testing. Allele origin: germline.

Women's Health and Genetics/Laboratory Corporation of America, LabCorp
Classification: Uncertain significance. Last evaluated: 2023-11-14. Review status: criteria provided, single submitter. Criteria: LabCorp Variant Classification Summary - May 2015. Collection method: clinical testing. Allele origin: germline.
Comment: Variant summary: HPS5 c.1127C>T (p.Thr376Ile) results in a non-conservative amino acid change in the encoded protein sequence. Four of five in-silico tools predict a benign effect of the variant on protein function. The variant allele was found at a frequency of 5.6e-05 in 251476 control chromosomes. This frequency is not significantly higher than estimated for a pathogenic variant in HPS5 causing Hermansky-Pudlak Syndrome (5.6e-05 vs 0.00047), allowing no conclusion about variant significance. To our knowledge, no occurrence of c.1127C>T in individuals affected with Hermansky-Pudlak Syndrome and no experimental evidence demonstrating its impact on protein function have been reported. One submitter has cited clinical-significance assessments for this variant to ClinVar after 2014 and has classified the variant as uncertain significance. Based on the evidence outlined above, the variant was classified as uncertain significance.